The following is an entry in ClinVar:

NM_000535.7(PMS2):c.2043G>A (p.Gln681=)

Gene: PMS2 (PMS1 homolog 2, mismatch repair system component; minus strand). Cytogenetic location: 7p22.1.
Variant type: single nucleotide variant.
Coding change: c.2043G>A on transcript NM_000535.7 (MANE Select); coding-DNA position 2043, G replaced by A.
Protein change: p.Gln681=; no amino-acid change (glutamine 681 retained).
Molecular consequence: synonymous variant. On other transcripts: non-coding transcript variant (1).
Genome position (GRCh38, 1-based): chr7:5,982,955, C>T on the plus strand (G>A on the coding strand, the complement: PMS2 is on the minus strand). VCF-style: chr7-5982955-C-T. GRCh37 (hg19) VCF-style: chr7-6022586-C-T.
Other names: c.1638G>A, p.Gln546= (NM_001322004.2, NM_001322003.2, NM_001322005.2 and 1 more transcripts); c.1887G>A, p.Gln629= (NM_001322006.2); c.1725G>A, p.Gln575= (NM_001322007.2, NM_001322008.2); c.1482G>A, p.Gln494= (NM_001322010.2); c.1110G>A, p.Gln370= (NM_001322011.2, NM_001322012.2); c.1470G>A, p.Gln490= (NM_001322013.2); c.2043G>A, p.Gln681= (NM_001322014.2); c.1734G>A, p.Gln578= (NM_001322015.2).
Identifiers: ClinVar variation 231090 (VCV000231090.18), dbSNP rs876658953, ClinGen allele CA10578656.

ClinVar aggregate classification (germline): Benign/Likely benign. Review status: criteria provided, multiple submitters, no conflicts (2 of 4 stars). 4 submissions from 4 submitters: Benign (1); Likely benign (3). Last evaluated 2025-02-03.

Conditions:
Lynch syndrome 4 (LYNCH4). Also called: Colorectal cancer, hereditary nonpolyposis, type 4; Hereditary non-polyposis colorectal cancer, type 4. Identifiers: Orphanet 144, MedGen C1838333, MONDO:0013699, OMIM 614337. Disease mechanism: loss of function.
Hereditary cancer-predisposing syndrome. Also called: Neoplastic Syndromes, Hereditary; Tumor predisposition; Hereditary Cancer Syndrome; Hereditary neoplastic syndrome. Identifiers: Orphanet 140162, MedGen C0027672, MeSH D009386, MONDO:0015356.
Hereditary nonpolyposis colorectal neoplasms. Identifiers: MedGen C0009405, MeSH D003123.
Mismatch repair cancer syndrome 4. Identifiers: MedGen C5436817, MONDO:0030843, OMIM 619101.

Submissions (4):

Myriad Genetics, Inc.
Classification: Benign for Lynch syndrome 4. Last evaluated: 2025-02-03. Review status: criteria provided, single submitter. Criteria: Myriad Autosomal Dominant, Autosomal Recessive and X-Linked Classification Criteria (2023). Collection method: clinical testing. Allele origin: unknown.
Comment: This variant is considered benign. This variant is a silent/synonymous amino acid change and it is not expected to impact splicing.

Labcorp Genetics (formerly Invitae), Labcorp
Classification: Likely benign for Hereditary nonpolyposis colorectal neoplasms. Last evaluated: 2025-01-07. Review status: criteria provided, single submitter. Criteria: Invitae Variant Classification Sherloc (09022015). Collection method: clinical testing. Allele origin: germline.

Fulgent Genetics
Classification: Likely benign for Lynch syndrome 4; Mismatch repair cancer syndrome 4. Last evaluated: 2022-04-26. Review status: criteria provided, single submitter. Criteria: ACMG Guidelines, 2015. Collection method: clinical testing. Allele origin: unknown.

Ambry Genetics
Classification: Likely benign for Hereditary cancer-predisposing syndrome. Last evaluated: 2015-03-17. Review status: criteria provided, single submitter. Criteria: Ambry Variant Classification Scheme 2023. Collection method: clinical testing. Allele origin: germline.